The following is an entry in ClinVar:

ClinVar aggregate classification (germline): Uncertain significance (1 of 4 stars; one submission).

Conditions:
HYPERHOMOCYSTEINEMIA, THROMBOTIC, CBS-RELATED. Identifiers: MedGen C3150344, OMIM 236200.

Submission:

Labcorp Genetics (formerly Invitae), Labcorp
Classification: Uncertain significance for HYPERHOMOCYSTEINEMIA, THROMBOTIC, CBS-RELATED. Last evaluated: 2024-08-05. Review status: criteria provided, single submitter. Criteria: Invitae Variant Classification Sherloc (09022015). Collection method: clinical testing. Allele origin: germline.
Comment: This sequence change falls in intron 8 of the CBS gene. It does not directly change the encoded amino acid sequence of the CBS protein. This variant is not present in population databases (gnomAD no frequency). This variant has not been reported in the literature in individuals affected with CBS-related conditions. ClinVar contains an entry for this variant (Variation ID: 1966172). Algorithms developed to predict the effect of sequence changes on RNA splicing suggest that this variant may disrupt the consensus splice site. In summary, the available evidence is currently insufficient to determine the role of this variant in disease. Therefore, it has been classified as a Variant of Uncertain Significance.

NM_000071.3(CBS):c.737-10C>G

Gene: CBS (cystathionine beta-synthase; minus strand). Cytogenetic location: 21q22.3.
Variant type: single nucleotide variant.
Coding change: c.737-10C>G on transcript NM_000071.3 (MANE Select); 10 bases into the intron before coding-DNA position 737, C replaced by G.
Molecular consequence: intron variant.
Genome position (GRCh38, 1-based): chr21:43,064,001, G>C on the plus strand (C>G on the coding strand, the complement: CBS is on the minus strand). VCF-style: chr21-43064001-G-C. GRCh37 (hg19) VCF-style: chr21-44484111-G-C.
Other names: c.737-10C>G (NM_001320298.2, NM_001178009.3, NM_001178008.3); c.422-10C>G (NM_001321072.1).
Identifiers: ClinVar variation 1966172 (VCV001966172.5), dbSNP rs546751042, ClinGen allele CA2580099026.